The following is an entry in ClinVar:

ClinVar aggregate classification (germline): Likely benign. Review status: criteria provided, multiple submitters, no conflicts (2 of 4 stars). 2 submissions from 2 submitters: Likely benign (2). Last evaluated 2026-05-01.

Conditions:
Familial sleep-related hypermotor epilepsy. Also called: Autosomal Dominant Sleep-Related Hypermotor (Hyperkinetic) Epilepsy. Identifiers: Orphanet 98784, MedGen C3696898, MONDO:0000030.

Allele frequency attached by ClinVar (database versions not stated): gnomAD 0.00005 and 0.00006; TOPMed 0.00006; gnomAD exomes 0.00009; 1000 Genomes Project 30x 0.00016; 1000 Genomes Project 0.00020; ExAC 0.00033.
gnomAD v4.1: 131 of 1,565,410 alleles (0.0084%); highest among the groups gnomAD compares: East Asian, 0.22%; no homozygotes.

Submissions (2):

CeGaT Center for Human Genetics Tuebingen
Classification: Likely benign. Last evaluated: 2026-05-01. Review status: criteria provided, single submitter. Criteria: CeGaT Center For Human Genetics Tuebingen Variant Classification Criteria Version 2. Collection method: clinical testing. Allele origin: germline. Affected: yes. Observed: 1 variant allele.
Comment: CHRNA4: BP4, BP7

Labcorp Genetics (formerly Invitae), Labcorp
Classification: Likely benign. Last evaluated: 2025-10-24. Review status: criteria provided, single submitter. Criteria: Invitae Variant Classification Sherloc (09022015). Collection method: clinical testing. Allele origin: germline.

NM_000744.7(CHRNA4):c.1278C>T (p.Ser426=)

Gene: CHRNA4 (cholinergic receptor nicotinic alpha 4 subunit; minus strand). Cytogenetic location: 20q13.33.
Variant type: single nucleotide variant.
Coding change: c.1278C>T on transcript NM_000744.7 (MANE Select); coding-DNA position 1278, C replaced by T.
Protein change: p.Ser426=; no amino-acid change (serine 426 retained).
Molecular consequence: synonymous variant. On other transcripts: non-coding transcript variant (1).
Genome position (GRCh38, 1-based): chr20:63,350,133, G>A on the plus strand (C>T on the coding strand, the complement: CHRNA4 is on the minus strand). VCF-style: chr20-63350133-G-A. GRCh37 (hg19) VCF-style: chr20-61981485-G-A.
Other names: c.750C>T, p.Ser250= (NM_001256573.2).
Identifiers: ClinVar variation 696691 (VCV000696691.13), dbSNP rs202169925, ClinGen allele CA9957616.
Genomic context (GRCh38, chr20:63,350,133, plus strand): 5'-AGGCGAGGGGTGGGGGCTGGCTTTCTCAGCTTCCAGGGGCTGCTGAGGAGGGAGCTGGTC[G>A]GAGGGTGACTTGCAGGAAGGCCCAGGCTCAGCCGGCACATCCAGGGGGACACAGAAGGAC-3'
Protein context (NP_000735.1, residues 416-436): AEPGPSCKSP[Ser426=]DQLPPQQPLE